The following is an entry in ClinVar:

NM_004161.5(RAB1A):c.523C>T (p.Arg175Ter)

Gene: RAB1A (RAB1A, member RAS oncogene family; minus strand). Cytogenetic location: 2p14.
Variant type: single nucleotide variant.
Coding change: c.523C>T on transcript NM_004161.5 (MANE Select); coding-DNA position 523, C replaced by T.
Protein change: p.Arg175Ter; replaces arginine 175 with a stop codon.
Molecular consequence: nonsense.
Genome position (GRCh38, 1-based): chr2:65,088,588, G>A on the plus strand (C>T on the coding strand, the complement: RAB1A is on the minus strand). VCF-style: chr2-65088588-G-A. GRCh37 (hg19) VCF-style: chr2-65315722-G-A.
Other names: c.295C>T, p.Arg99Ter (NM_015543.2); short protein forms R99*, R175*.
Identifiers: ClinVar variation 3673607 (VCV003673607.2).

ClinVar aggregate classification (germline): Likely pathogenic (1 of 4 stars; one submission).

Submission:

Labcorp Genetics (formerly Invitae), Labcorp
Classification: Likely pathogenic. Last evaluated: 2024-12-14. Review status: criteria provided, single submitter. Criteria: Invitae Variant Classification Sherloc (09022015). Collection method: clinical testing. Allele origin: germline.
Comment: This sequence change creates a premature translational stop signal (p.Arg175*) in the RAB1A gene. While this is not anticipated to result in nonsense mediated decay, it is expected to disrupt the last 31 amino acid(s) of the RAB1A protein. This variant is not present in population databases (gnomAD no frequency). This premature translational stop signal has been observed in individuals with RAB1A-related conditions (PMID: 37924809; internal data). It has also been observed to segregate with disease in related individuals. Algorithms developed to predict the effect of variants on gene product structure and function are not available or were not evaluated for this variant. Experimental studies have shown that this premature translational stop signal affects RAB1A function (PMID: 37924809). In summary, the currently available evidence indicates that the variant is pathogenic, but additional data are needed to prove that conclusively. Therefore, this variant has been classified as Likely Pathogenic.

Literature cited by the submitters: PubMed 37924809.